The following is an entry in ClinVar:

NM_199242.3(UNC13D):c.2977C>A (p.Arg993Ser)

Gene: UNC13D (unc-13 homolog D; minus strand). Cytogenetic location: 17q25.1.
Variant type: single nucleotide variant.
Coding change: c.2977C>A on transcript NM_199242.3 (MANE Select); coding-DNA position 2977, C replaced by A.
Protein change: p.Arg993Ser; replaces arginine 993 with serine.
Molecular consequence: missense variant.
Genome position (GRCh38, 1-based): chr17:75,828,961, G>T on the plus strand (C>A on the coding strand, the complement: UNC13D is on the minus strand). VCF-style: chr17-75828961-G-T. GRCh37 (hg19) VCF-style: chr17-73825042-G-T.
Other names: short protein forms R993S.
Identifiers: ClinVar variation 1391443 (VCV001391443.6), dbSNP rs759922688, ClinGen allele CA401075404.

ClinVar aggregate classification (germline): Uncertain significance (1 of 4 stars; one submission).

Conditions:
Familial hemophagocytic lymphohistiocytosis 3 (FHL3). Also called: UNC13D-Related Familial Hemophagocytic Lymphohistiocytosis (UNC13D-fHLH). Identifiers: Orphanet 540, MedGen C1837174, MONDO:0012146, OMIM 608898.

Submission:

Labcorp Genetics (formerly Invitae), Labcorp
Classification: Uncertain significance for Familial hemophagocytic lymphohistiocytosis 3. Last evaluated: 2021-03-11. Review status: criteria provided, single submitter. Criteria: Invitae Variant Classification Sherloc (09022015). Collection method: clinical testing. Allele origin: germline.
Comment: In summary, the available evidence is currently insufficient to determine the role of this variant in disease. Therefore, it has been classified as a Variant of Uncertain Significance. Algorithms developed to predict the effect of missense changes on protein structure and function are either unavailable or do not agree on the potential impact of this missense change (SIFT: "Not Available"; PolyPhen-2: "Benign"; Align-GVGD: "Not Available"). This variant has not been reported in the literature in individuals with UNC13D-related conditions. This variant is not present in population databases (ExAC no frequency). This sequence change replaces arginine with serine at codon 993 of the UNC13D protein (p.Arg993Ser). The arginine residue is weakly conserved and there is a moderate physicochemical difference between arginine and serine.